The following is an entry in ClinVar:

ClinVar aggregate classification (germline): Uncertain significance (1 of 4 stars; one submission).

Conditions:
Dilated cardiomyopathy 1O (CMD1O). Also called: CARDIOMYOPATHY, DILATED, WITH VENTRICULAR TACHYCARDIA. Identifiers: Orphanet 154, MedGen C1837839, MONDO:0012062, OMIM 608569.

Allele frequency attached by ClinVar (database versions not stated): TOPMed below 0.00001; gnomAD 0.00001.
gnomAD v4.1: 1 of 1,613,784 alleles (0.000062%); highest among the groups gnomAD compares: African/African-American, 0.0013%; no homozygotes.

Submission:

Labcorp Genetics (formerly Invitae), Labcorp
Classification: Uncertain significance for Dilated cardiomyopathy 1O. Last evaluated: 2025-04-01. Review status: criteria provided, single submitter. Criteria: Invitae Variant Classification Sherloc (09022015). Collection method: clinical testing. Allele origin: germline.
Comment: This sequence change replaces asparagine, which is neutral and polar, with serine, which is neutral and polar, at codon 811 of the ABCC9 protein (p.Asn811Ser). This variant is not present in population databases (gnomAD no frequency). This variant has not been reported in the literature in individuals affected with ABCC9-related conditions. ClinVar contains an entry for this variant (Variation ID: 2002196). Invitae Evidence Modeling of protein sequence and biophysical properties (such as structural, functional, and spatial information, amino acid conservation, physicochemical variation, residue mobility, and thermodynamic stability) has been performed for this missense variant. However, the output from this modeling did not meet the statistical confidence thresholds required to predict the impact of this variant on ABCC9 protein function. In summary, the available evidence is currently insufficient to determine the role of this variant in disease. Therefore, it has been classified as a Variant of Uncertain Significance.

NM_020297.4(ABCC9):c.2432A>G (p.Asn811Ser)

Gene: ABCC9 (ATP binding cassette subfamily C member 9; minus strand). Cytogenetic location: 12p12.1.
Variant type: single nucleotide variant.
Coding change: c.2432A>G on transcript NM_020297.4 (MANE Select); coding-DNA position 2432, A replaced by G.
Protein change: p.Asn811Ser; replaces asparagine 811 with serine.
Molecular consequence: missense variant.
Genome position (GRCh38, 1-based): chr12:21,859,659, T>C on the plus strand (A>G on the coding strand, the complement: ABCC9 is on the minus strand). VCF-style: chr12-21859659-T-C. GRCh37 (hg19) VCF-style: chr12-22012593-T-C.
Other names: c.2432A>G, p.Asn811Ser (NM_001377273.1, NM_005691.4); c.1565A>G, p.Asn522Ser (NM_001377274.1); short protein forms N811S, N522S.
Identifiers: ClinVar variation 2002196 (VCV002002196.4), dbSNP rs1237359005, ClinGen allele CA384127101.